The following is an entry in ClinVar:

ClinVar aggregate classification (germline): Pathogenic/Likely pathogenic. Review status: criteria provided, multiple submitters, no conflicts (2 of 4 stars). 3 submissions from 3 submitters: Pathogenic (2); Likely pathogenic (1). Last evaluated 2025-07-27.

Conditions:
Sandhoff disease. Also called: GM2-GANGLIOSIDOSIS, TYPE II; HEXOSAMINIDASES A AND B DEFICIENCY; Beta-hexosaminidase-beta-subunit deficiency; GM2 gangliosidosis, type 2; Total hexosaminidase deficiency; Sandhoff-Jatzkewitz-Pilz disease. Identifiers: Orphanet 796, MedGen C0036161, MONDO:0010006, OMIM 268800.

Submissions (3):

Labcorp Genetics (formerly Invitae), Labcorp
Classification: Pathogenic for Sandhoff disease. Last evaluated: 2025-07-27. Review status: criteria provided, single submitter. Criteria: Invitae Variant Classification Sherloc (09022015). Collection method: clinical testing. Allele origin: germline.
Comment: This sequence change creates a premature translational stop signal (p.Gln479Thrfs*18) in the HEXB gene. It is expected to result in an absent or disrupted protein product. Loss-of-function variants in HEXB are known to be pathogenic (PMID: 7550345, 18758829). This variant is not present in population databases (gnomAD no frequency). This variant has not been reported in the literature in individuals affected with HEXB-related conditions. ClinVar contains an entry for this variant (Variation ID: 2582392). For these reasons, this variant has been classified as Pathogenic.

Fulgent Genetics
Classification: Likely pathogenic for Sandhoff disease. Last evaluated: 2024-02-04. Review status: criteria provided, single submitter. Criteria: ACMG Guidelines, 2015. Collection method: clinical testing. Allele origin: germline.

Baylor Genetics
Classification: Pathogenic for Sandhoff disease. Last evaluated: 2023-07-18. Review status: criteria provided, single submitter. Criteria: ACMG Guidelines, 2015. Collection method: clinical testing. Allele origin: unknown.

Literature cited by the submitters: PubMed 7550345 (cited by Labcorp Genetics (formerly Invitae), Labcorp); PubMed 18758829 (cited by Labcorp Genetics (formerly Invitae), Labcorp).

NM_000521.4(HEXB):c.1435_1436del (p.Gln479fs)

Gene: HEXB (hexosaminidase subunit beta; plus strand). Cytogenetic location: 5q13.3.
Variant type: Deletion.
Coding change: c.1435_1436del on transcript NM_000521.4 (MANE Select); coding-DNA positions 1435 to 1436, 2 bases deleted (CA; older notation c.1435_1436delCA).
Protein change: p.Gln479fs; shifts the reading frame from glutamine 479.
Molecular consequence: frameshift variant.
Genome position (GRCh38, 1-based): chr5:74,720,445-74,720,446, CA deleted; deleting any 2 consecutive bases within chr5:74,720,444-74,720,446 gives the same sequence; the c. name uses the placement nearest the transcript's 3' end. VCF-style (leftmost placement, unchanged base first): chr5-74720443-AAC-A. GRCh37 (hg19) VCF-style: chr5-74016268-AAC-A.
Other names: c.760_761del, p.Gln254fs (NM_001292004.2); short protein forms Q254fs, Q479fs.
Identifiers: ClinVar variation 2582392 (VCV002582392.3), dbSNP rs2478771904, ClinGen allele CA2582341580.
Genomic context (GRCh38, chr5:74,720,443, plus strand): 5'-TATAAGCTTTGAACTTCTGAACTTAATTCAATGATTTTAATTTAGGTACTCAGAAACAGA[AAC>A]AACTTTTCATTGGTGGAGAAGCTTGTCTATGGGGAGAATATGTGGATGCAACTAACCTCA-3'